The following is an entry in ClinVar:

NM_004360.5(CDH1):c.1240A>G (p.Thr414Ala)

Gene: CDH1 (cadherin 1; plus strand). Cytogenetic location: 16q22.1.
Variant type: single nucleotide variant.
Coding change: c.1240A>G on transcript NM_004360.5 (MANE Select); coding-DNA position 1240, A replaced by G.
Protein change: p.Thr414Ala; replaces threonine 414 with alanine.
Molecular consequence: missense variant. On other transcripts: 5 prime UTR variant (2), intron variant (1).
Genome position (GRCh38, 1-based): chr16:68,813,415, A>G. VCF-style: chr16-68813415-A-G. GRCh37 (hg19) VCF-style: chr16-68847318-A-G.
Other names: c.-376A>G (NM_001317185.2); c.-580A>G (NM_001317186.2); c.1137+1152A>G (NM_001317184.2); c.1240A>G (LRG_301t1); short protein forms T414A.
Identifiers: ClinVar variation 216586 (VCV000216586.19), dbSNP rs863224723, ClinGen allele CA339350.
Genomic context (GRCh38, chr16:68,813,415, plus strand): 5'-ACCACACTGAAAGTGACTGATGCTGATGCCCCCAATACCCCAGCGTGGGAGGCTGTATAC[A>G]CCATATTGAATGATGATGGTGGACAATTTGTCGTCACCACAAATCCAGTGAACAACGATG-3'
Protein context (NP_004351.1, residues 404-424): PNTPAWEAVY[Thr414Ala]ILNDDGGQFV

ClinVar aggregate classification (germline): Conflicting classifications of pathogenicity. Review status: criteria provided, conflicting classifications (1 of 4 stars). 4 submissions from 4 submitters: Uncertain significance (3); Likely benign (1). Last evaluated 2026-06-11.

Conditions:
Breast and/or ovarian cancer. Identifiers: MedGen CN221562.
Hereditary cancer-predisposing syndrome. Also called: Neoplastic Syndromes, Hereditary; Hereditary Cancer Syndrome; Tumor predisposition; Hereditary neoplastic syndrome. Identifiers: Orphanet 140162, MedGen C0027672, MeSH D009386, MONDO:0015356.
Hereditary diffuse gastric adenocarcinoma (HDGC). Also called: DIFFUSE GASTRIC AND LOBULAR BREAST CANCER SYNDROME. Identifiers: Orphanet 26106, MedGen C1708349, MONDO:0007648, OMIM 137215.

Allele frequency attached by ClinVar (database versions not stated): gnomAD exomes below 0.00001.
gnomAD v4.1: 1 of 1,614,148 alleles (0.000062%); highest among the groups gnomAD compares: Non-Finnish European, 0.000085%; no homozygotes.

Submissions (4):

Ambry Genetics
Classification: Likely benign for Hereditary cancer-predisposing syndrome. Last evaluated: 2026-06-11. Review status: criteria provided, single submitter. Criteria: Ambry Variant Classification Scheme 2023. Collection method: clinical testing. Allele origin: germline.

Color Diagnostics, LLC DBA Color Health
Classification: Uncertain significance for Hereditary cancer-predisposing syndrome. Last evaluated: 2025-06-29. Review status: criteria provided, single submitter. Criteria: ACMG Guidelines, 2015. Collection method: clinical testing. Allele origin: germline.
Comment: This missense variant replaces threonine with alanine at codon 414 of the CDH1 protein. To our knowledge, functional studies have not been reported for this variant. This variant has not been reported in individuals affected with CDH1-related disorders in the literature. This variant has not been identified in the general population by the Genome Aggregation Database (gnomAD). The available evidence is insufficient to determine the role of this variant in disease conclusively. Therefore, this variant is classified as a Variant of Uncertain Significance.

Labcorp Genetics (formerly Invitae), Labcorp
Classification: Uncertain significance for Hereditary diffuse gastric adenocarcinoma. Last evaluated: 2025-05-06. Review status: criteria provided, single submitter. Criteria: Invitae Variant Classification Sherloc (09022015). Collection method: clinical testing. Allele origin: germline.
Comment: This sequence change replaces threonine, which is neutral and polar, with alanine, which is neutral and non-polar, at codon 414 of the CDH1 protein (p.Thr414Ala). This variant is not present in population databases (gnomAD no frequency). This variant has not been reported in the literature in individuals affected with CDH1-related conditions. ClinVar contains an entry for this variant (Variation ID: 216586). An algorithm developed to predict the effect of missense changes on protein structure and function (PolyPhen-2) suggests that this variant is likely to be tolerated. In summary, the available evidence is currently insufficient to determine the role of this variant in disease. Therefore, it has been classified as a Variant of Uncertain Significance.

CHEO Genetics Diagnostic Laboratory, Children's Hospital of Eastern Ontario
Classification: Uncertain significance for Breast and/or ovarian cancer. Last evaluated: 2023-04-25. Review status: criteria provided, single submitter. Criteria: ACMG Guidelines, 2015. Collection method: clinical testing. Allele origin: germline.